The following is an entry in ClinVar:

ClinVar aggregate classification (germline): Uncertain significance. Review status: criteria provided, multiple submitters, no conflicts (2 of 4 stars). 2 submissions from 2 submitters: Uncertain significance (2). Last evaluated 2025-10-03.

Conditions:
Spinocerebellar ataxia 47 (NEDMSF). Also called: PADDAS SYNDROME; neurodevelopmental disorder with motor abnormalities, seizures, and facial dysmorphism. Identifiers: Orphanet 642747, MedGen C4693672, MONDO:0033482, OMIM 620719.
Inborn genetic diseases. Identifiers: MedGen C0950123, MeSH D030342.

Submissions (2):

Dasa
Classification: Uncertain significance for neurodevelopmental disorder with motor abnormalities, seizures, and facial dysmorphism. Last evaluated: 2025-10-03. Review status: criteria provided, single submitter. Criteria: DASA Assertion Criteria. Collection method: clinical testing. Allele origin: germline.
Comment: NM_001020658.2(PUM1):c.3061C>T (p.Pro1021Ser) is a missense variant that results in the substitution of proline with serine. This variant is rare in population databases. The currently available literature and clinical evidence are not sufficient to establish a definitive association between this variant and the reported condition. Therefore, this variant is classified as a variant of uncertain significance.

Ambry Genetics
Classification: Uncertain significance for Inborn genetic diseases. Last evaluated: 2024-11-22. Review status: criteria provided, single submitter. Criteria: Ambry Variant Classification Scheme 2023. Collection method: clinical testing. Allele origin: germline.

NM_001020658.2(PUM1):c.3061C>T (p.Pro1021Ser)

Gene: PUM1 (pumilio RNA binding family member 1; minus strand). Cytogenetic location: 1p35.2.
Variant type: single nucleotide variant.
Coding change: c.3061C>T on transcript NM_001020658.2 (MANE Select); coding-DNA position 3061, C replaced by T.
Protein change: p.Pro1021Ser; replaces proline 1021 with serine.
Molecular consequence: missense variant.
Genome position (GRCh38, 1-based): chr1:30,942,057, G>A on the plus strand (C>T on the coding strand, the complement: PUM1 is on the minus strand). VCF-style: chr1-30942057-G-A. GRCh37 (hg19) VCF-style: chr1-31414904-G-A.
Other names: c.3055C>T, p.Pro1019Ser (NM_014676.3); short protein forms P1019S, P1021S.
Identifiers: ClinVar variation 3428416 (VCV003428416.3).